The following is an entry in ClinVar:

ClinVar aggregate classification (germline): Uncertain significance (1 of 4 stars; one submission).

Conditions:
Arrhythmogenic right ventricular dysplasia 8 (ARVD8). Also called: Arrhythmogenic Right Ventricular Dysplasia/Cardiomyopathy 8; ARRHYTHMOGENIC RIGHT VENTRICULAR DYSPLASIA, FAMILIAL, 8; ARRHYTHMOGENIC RIGHT VENTRICULAR CARDIOMYOPATHY 8. Identifiers: MedGen C1843896, MONDO:0011831, OMIM 607450.
Arrhythmogenic cardiomyopathy with wooly hair and keratoderma. Also called: PALMOPLANTAR KERATODERMA WITH LEFT VENTRICULAR CARDIOMYOPATHY AND WOOLLY HAIR; Carvajal syndrome; Dilated cardiomyopathy with woolly hair and keratoderma; Arrhythmogenic cardiomyopathy with woolly hair and keratoderma. Identifiers: Orphanet 65282, MedGen C1854063, MONDO:0011581, OMIM 605676.

Submission:

Labcorp Genetics (formerly Invitae), Labcorp
Classification: Uncertain significance for Arrhythmogenic cardiomyopathy with wooly hair and keratoderma; Arrhythmogenic right ventricular dysplasia 8. Last evaluated: 2024-12-04. Review status: criteria provided, single submitter. Criteria: Invitae Variant Classification Sherloc (09022015). Collection method: clinical testing. Allele origin: germline.
Comment: This sequence change replaces isoleucine, which is neutral and non-polar, with methionine, which is neutral and non-polar, at codon 475 of the DSP protein (p.Ile475Met). This variant is not present in population databases (gnomAD no frequency). This variant has not been reported in the literature in individuals affected with DSP-related conditions. An algorithm developed to predict the effect of missense changes on protein structure and function (PolyPhen-2) suggests that this variant is likely to be disruptive. In summary, the available evidence is currently insufficient to determine the role of this variant in disease. Therefore, it has been classified as a Variant of Uncertain Significance.

NM_004415.4(DSP):c.1425C>G (p.Ile475Met)

Gene: DSP (desmoplakin; plus strand). Cytogenetic location: 6p24.3.
Variant type: single nucleotide variant.
Coding change: c.1425C>G on transcript NM_004415.4 (MANE Select); coding-DNA position 1425, C replaced by G.
Protein change: p.Ile475Met; replaces isoleucine 475 with methionine.
Molecular consequence: missense variant.
Genome position (GRCh38, 1-based): chr6:7,569,191, C>G. VCF-style: chr6-7569191-C-G. GRCh37 (hg19) VCF-style: chr6-7569424-C-G.
Other names: c.1425C>G, p.Ile475Met (NM_001008844.3, NM_001319034.2); short protein forms I475M.
Identifiers: ClinVar variation 3752131 (VCV003752131.2).